The following is an entry in ClinVar:

NM_001040108.2(MLH3):c.716T>G (p.Ile239Ser)

Gene: MLH3 (mutL homolog 3; minus strand). Cytogenetic location: 14q24.3.
Variant type: single nucleotide variant.
Coding change: c.716T>G on transcript NM_001040108.2 (MANE Select); coding-DNA position 716, T replaced by G.
Protein change: p.Ile239Ser; replaces isoleucine 239 with serine.
Molecular consequence: missense variant.
Genome position (GRCh38, 1-based): chr14:75,048,940, A>C on the plus strand (T>G on the coding strand, the complement: MLH3 is on the minus strand). VCF-style: chr14-75048940-A-C. GRCh37 (hg19) VCF-style: chr14-75515643-A-C.
Other names: c.716T>G, p.Ile239Ser (NM_014381.3); short protein forms I239S.
Identifiers: ClinVar variation 1757480 (VCV001757480.6), dbSNP rs777040433, ClinGen allele CA7275977.

ClinVar aggregate classification (germline): Uncertain significance. Review status: criteria provided, multiple submitters, no conflicts (2 of 4 stars). 2 submissions from 2 submitters: Uncertain significance (2). Last evaluated 2025-12-06.

Conditions:
Colorectal cancer, hereditary nonpolyposis, type 7. Identifiers: Orphanet 144, MedGen C1858380, MONDO:0013725, OMIM 614385.

Allele frequency attached by ClinVar (database versions not stated): ExAC 0.00005; gnomAD 0.00001; gnomAD exomes 0.00004; TOPMed 0.00001.
gnomAD v4.1: 55 of 1,613,232 alleles (0.0034%); highest among the groups gnomAD compares: South Asian, 0.034%; 1 homozygote.

Submissions (2):

Labcorp Genetics (formerly Invitae), Labcorp
Classification: Uncertain significance for Colorectal cancer, hereditary nonpolyposis, type 7. Last evaluated: 2025-12-06. Review status: criteria provided, single submitter. Criteria: Invitae Variant Classification Sherloc (09022015). Collection method: clinical testing. Allele origin: germline.
Comment: This sequence change replaces isoleucine, which is neutral and non-polar, with serine, which is neutral and polar, at codon 239 of the MLH3 protein (p.Ile239Ser). This variant is present in population databases (rs777040433, gnomAD 0.03%). This variant has not been reported in the literature in individuals affected with MLH3-related conditions. ClinVar contains an entry for this variant (Variation ID: 1757480). An algorithm developed to predict the effect of missense changes on protein structure and function (PolyPhen-2) suggests that this variant is likely to be disruptive. In summary, the available evidence is currently insufficient to determine the role of this variant in disease. Therefore, it has been classified as a Variant of Uncertain Significance.

Ambry Genetics
Classification: Uncertain significance. Last evaluated: 2024-12-20. Review status: criteria provided, single submitter. Criteria: Ambry Variant Classification Scheme 2023. Collection method: clinical testing. Allele origin: germline.
Comment: The p.I239S variant (also known as c.716T>G), located in coding exon 1 of the MLH3 gene, results from a T to G substitution at nucleotide position 716. The isoleucine at codon 239 is replaced by serine, an amino acid with dissimilar properties. This amino acid position is well conserved in available vertebrate species. In addition, this alteration is predicted to be deleterious by in silico analysis. The evidence for this gene-disease relationship is limited; therefore, the clinical significance of this alteration is unclear.